The following is an entry in ClinVar:

NM_000128.4(F11):c.1416T>G (p.Tyr472Ter)

Gene: F11 (coagulation factor XI; plus strand). Cytogenetic location: 4q35.2.
Variant type: single nucleotide variant.
Coding change: c.1416T>G on transcript NM_000128.4 (MANE Select); coding-DNA position 1416, T replaced by G.
Protein change: p.Tyr472Ter; replaces tyrosine 472 with a stop codon.
Molecular consequence: nonsense.
Genome position (GRCh38, 1-based): chr4:186,285,749, T>G. VCF-style: chr4-186285749-T-G. GRCh37 (hg19) VCF-style: chr4-187206903-T-G.
Other names: c.1368T>G, p.Tyr456Ter (NM_001440590.1, NM_001440596.1); c.1416T>G, p.Tyr472Ter (NM_001440593.1); c.1146T>G, p.Tyr382Ter (NM_001440605.1, NM_001440607.1); c.1098T>G, p.Tyr366Ter (NM_001440606.1, NM_001440608.1); short protein forms Y366*, Y382*, Y456*, Y472*.
Identifiers: ClinVar variation 4817489 (VCV004817489.2).
Genomic context (GRCh38, chr4:186,285,749, plus strand): 5'-TGAAATAAAAGAGGACACATCTTTCTTTGGGGTTCAAGAAATAATAATCCATGATCAGTA[T>G]AAAATGGCAGAAAGCGGGTATGATATTGCCTTGTTGAAACTGGAAACCACAGTGAATTAC-3'

ClinVar aggregate classification (germline): Pathogenic/Likely pathogenic. Review status: criteria provided, multiple submitters, no conflicts (2 of 4 stars). 2 submissions from 2 submitters: Pathogenic (1); Likely pathogenic (1). Last evaluated 2024-05-16.

Conditions:
Hereditary factor XI deficiency disease. Also called: PLASMA THROMBOPLASTIN ANTECEDENT DEFICIENCY; PTA DEFICIENCY; ROSENTHAL SYNDROME; Congenital factor XI deficiency. Identifiers: Orphanet 329, MedGen C0015523, MeSH D005173, MONDO:0012897, OMIM 612416.
Plasma factor XI deficiency.

Submissions (2):

Natera, Inc.
Classification: Likely pathogenic for Plasma factor XI deficiency. Last evaluated: 2024-05-16. Review status: criteria provided, single submitter. Criteria: Natera Variant Classification Schema (03/2026). Collection method: clinical testing. Allele origin: germline.
Comment: The c.1416T>G variant in F11 is a nonsense variant predicted to introduce a stop codon at amino acid 472. This variant is expected to result in nonsense mediated decay, truncation, or a dysfunctional protein product. This variant is rare in the general population with a frequency below the threshold expected for the associated phenotype(s). Given the available evidence, this variant is classified as Likely Pathogenic.

Myriad Genetics, Inc.
Classification: Pathogenic for Hereditary factor XI deficiency disease. Last evaluated: 2023-09-08. Review status: criteria provided, single submitter. Criteria: Myriad Autosomal Dominant, Autosomal Recessive and X-Linked Classification Criteria (2023). Collection method: clinical testing. Allele origin: unknown.
Comment: NM_000128.3(F11):c.1416T>G(Y472*) is expected to be pathogenic in the context of factor XI deficiency. This variant is predicted to lead to an abnormal or absent protein product due to the creation of a premature termination codon in F11, a gene where loss-of-function variants are known to be pathogenic. Please note: this variant was assessed in the context of healthy population screening.